The following is an entry in ClinVar:

ClinVar aggregate classification (germline): Likely pathogenic (1 of 4 stars; one submission).

Submission:

Dasa
Classification: Likely pathogenic. Last evaluated: 2026-02-12. Review status: criteria provided, single submitter. Criteria: DASA Assertion Criteria. Collection method: clinical testing. Allele origin: germline.
Comment: NM_030928.4(CDT1):c.1233_1234del (p.Pro412Glnfs*44) introduces a premature termination codon predicted to result in loss of normal protein function. Loss-of-function is an established mechanism of disease for this gene. The variant is present at low frequency in population datasets. Based on the available data, this variant is classified as likely pathogenic.

NM_030928.4(CDT1):c.1233_1234del (p.Pro412fs)

Gene: CDT1 (chromatin licensing and DNA replication factor 1; plus strand). Cytogenetic location: 16q24.3.
Variant type: Microsatellite.
Coding change: c.1233_1234del on transcript NM_030928.4 (MANE Select); coding-DNA positions 1233 to 1234, 2 bases deleted (TC; older notation c.1233_1234delTC).
Protein change: p.Pro412fs; shifts the reading frame from proline 412.
Molecular consequence: frameshift variant.
Genome position (GRCh38, 1-based): chr16:88,807,161-88,807,162, TC deleted; deleting any 2 consecutive bases within chr16:88,807,158-88,807,162 gives the same sequence; the c. name uses the placement nearest the transcript's 3' end. VCF-style (leftmost placement, unchanged base first): chr16-88807157-CCT-C. GRCh37 (hg19) VCF-style: chr16-88873565-CCT-C.
Other names: short protein forms P412fs.
Identifiers: ClinVar variation 4851883 (VCV004851883.1).